The following is an entry in ClinVar:

ClinVar aggregate classification (germline): Uncertain significance (1 of 4 stars; one submission).

Allele frequency attached by ClinVar (database versions not stated): gnomAD exomes below 0.00001; TOPMed below 0.00001.
gnomAD v4.1: 1 of 1,613,702 alleles (0.000062%); highest among the groups gnomAD compares: Non-Finnish European, 0.000085%; no homozygotes.

Submission:

CeGaT Center for Human Genetics Tuebingen
Classification: Uncertain significance. Last evaluated: 2023-01-01. Review status: criteria provided, single submitter. Criteria: CeGaT Center For Human Genetics Tuebingen Variant Classification Criteria Version 2. Collection method: clinical testing. Allele origin: germline. Affected: yes. Observed: 1 variant allele.
Comment: SULF1: PM2, PP3

NM_001128205.2(SULF1):c.1609T>C (p.Phe537Leu)

Gene: SULF1 (sulfatase 1; plus strand). Cytogenetic location: 8q13.3.
Variant type: single nucleotide variant.
Coding change: c.1609T>C on transcript NM_001128205.2 (MANE Select); coding-DNA position 1609, T replaced by C.
Protein change: p.Phe537Leu; replaces phenylalanine 537 with leucine.
Molecular consequence: missense variant. On other transcripts: non-coding transcript variant (7), 5 prime UTR variant (1).
Genome position (GRCh38, 1-based): chr8:69,623,956, T>C. VCF-style: chr8-69623956-T-C. GRCh37 (hg19) VCF-style: chr8-70536191-T-C.
Other names: c.1609T>C, p.Phe537Leu (NM_015170.3, NM_001412843.1, NM_001412850.1 and 10 more transcripts); c.1480T>C, p.Phe494Leu (NM_001412840.1, NM_001412832.1, NM_001412838.1 and 1 more transcripts); c.1423T>C, p.Phe475Leu (NM_001412841.1, NM_001412842.1); c.1009T>C, p.Phe337Leu (NM_001412844.1, NM_001412845.1); c.-183T>C (NM_001412846.1); c.1552T>C, p.Phe518Leu (NM_001412836.1, NM_001412837.1); short protein forms F337L, F475L, F494L, F518L, F537L.
Identifiers: ClinVar variation 2658645 (VCV002658645.24), dbSNP rs1352658096, ClinGen allele CA371229528.